The following is an entry in ClinVar:

ClinVar aggregate classification (germline): Uncertain significance. Review status: criteria provided, multiple submitters, no conflicts (2 of 4 stars). 2 submissions from 2 submitters: Uncertain significance (2). Last evaluated 2024-12-09.

Conditions:
Inborn genetic diseases. Identifiers: MedGen C0950123, MeSH D030342.
Fanconi anemia (FA). Also called: Fanconi's anemia. Identifiers: Orphanet 84, MedGen C0015625, MeSH D005199, MONDO:0019391.

gnomAD v4.1: 1 of 1,608,242 alleles (0.000062%); highest among the groups gnomAD compares: African/African-American, 0.0013%; no homozygotes.

Submissions (2):

Ambry Genetics
Classification: Uncertain significance for Inborn genetic diseases. Last evaluated: 2024-12-09. Review status: criteria provided, single submitter. Criteria: Ambry Variant Classification Scheme 2023. Collection method: clinical testing. Allele origin: germline.
Comment: The p.E1470K variant (also known as c.4408G>A), located in coding exon 17 of the FANCM gene, results from a G to A substitution at nucleotide position 4408. The glutamic acid at codon 1470 is replaced by lysine, an amino acid with similar properties. This amino acid position is conserved. In addition, this alteration is predicted to be tolerated by in silico analysis. Based on the available evidence, the clinical significance of this variant remains unclear.

Labcorp Genetics (formerly Invitae), Labcorp
Classification: Uncertain significance for Fanconi anemia. Last evaluated: 2024-03-06. Review status: criteria provided, single submitter. Criteria: Invitae Variant Classification Sherloc (09022015). Collection method: clinical testing. Allele origin: germline.
Comment: This sequence change replaces glutamic acid, which is acidic and polar, with lysine, which is basic and polar, at codon 1470 of the FANCM protein (p.Glu1470Lys). This variant is present in population databases (no rsID available, gnomAD 0.007%). This variant has not been reported in the literature in individuals affected with FANCM-related conditions. An algorithm developed to predict the effect of missense changes on protein structure and function (PolyPhen-2) suggests that this variant is likely to be disruptive. In summary, the available evidence is currently insufficient to determine the role of this variant in disease. Therefore, it has been classified as a Variant of Uncertain Significance.

NM_020937.4(FANCM):c.4408G>A (p.Glu1470Lys)

Gene: FANCM (FA complementation group M; plus strand). Cytogenetic location: 14q21.2.
Variant type: single nucleotide variant.
Coding change: c.4408G>A on transcript NM_020937.4 (MANE Select); coding-DNA position 4408, G replaced by A.
Protein change: p.Glu1470Lys; replaces glutamic acid 1470 with lysine.
Molecular consequence: missense variant.
Genome position (GRCh38, 1-based): chr14:45,183,795, G>A. VCF-style: chr14-45183795-G-A. GRCh37 (hg19) VCF-style: chr14-45652998-G-A.
Other names: c.4330G>A, p.Glu1444Lys (NM_001308133.2); short protein forms E1444K, E1470K.
Identifiers: ClinVar variation 3512995 (VCV003512995.3).